The following is an entry in ClinVar:

ClinVar aggregate classification (germline): Uncertain significance. Review status: criteria provided, multiple submitters, no conflicts (2 of 4 stars). 2 submissions from 2 submitters: Uncertain significance (2). Last evaluated 2022-07-05.

Conditions:
Inborn genetic diseases. Identifiers: MedGen C0950123, MeSH D030342.
Beta-D-mannosidosis (MANSB). Also called: MANNOSIDOSIS, BETA A, LYSOSOMAL; BETA-MANNOSIDASE DEFICIENCY; LYSOSOMAL BETA-MANNOSIDASE DEFICIENCY; Beta-Mannosidosis. Identifiers: Orphanet 118, MedGen C4048196, MONDO:0009562, OMIM 248510.

Allele frequency attached by ClinVar (database versions not stated): ExAC 0.00002; TOPMed 0.00002; gnomAD 0.00001.
gnomAD v4.1: 22 of 1,613,920 alleles (0.0014%); highest among the groups gnomAD compares: South Asian, 0.014%; no homozygotes.

Submissions (2):

Labcorp Genetics (formerly Invitae), Labcorp
Classification: Uncertain significance for Beta-D-mannosidosis. Last evaluated: 2022-07-05. Review status: criteria provided, single submitter. Criteria: Invitae Variant Classification Sherloc (09022015). Collection method: clinical testing. Allele origin: germline.
Comment: This sequence change replaces alanine, which is neutral and non-polar, with valine, which is neutral and non-polar, at codon 147 of the MANBA protein (p.Ala147Val). This variant is present in population databases (rs752893294, gnomAD 0.01%). This variant has not been reported in the literature in individuals affected with MANBA-related conditions. Algorithms developed to predict the effect of missense changes on protein structure and function (SIFT, PolyPhen-2, Align-GVGD) all suggest that this variant is likely to be tolerated. Algorithms developed to predict the effect of sequence changes on RNA splicing suggest that this variant may disrupt the consensus splice site. In summary, the available evidence is currently insufficient to determine the role of this variant in disease. Therefore, it has been classified as a Variant of Uncertain Significance.

Ambry Genetics
Classification: Uncertain significance for Inborn genetic diseases. Last evaluated: 2022-01-04. Review status: criteria provided, single submitter. Criteria: Ambry Variant Classification Scheme 2023. Collection method: clinical testing. Allele origin: germline.

NM_005908.4(MANBA):c.440C>T (p.Ala147Val)

Gene: MANBA (mannosidase beta; minus strand). Cytogenetic location: 4q24.
Variant type: single nucleotide variant.
Coding change: c.440C>T on transcript NM_005908.4 (MANE Select); coding-DNA position 440, C replaced by T.
Protein change: p.Ala147Val; replaces alanine 147 with valine.
Molecular consequence: missense variant.
Genome position (GRCh38, 1-based): chr4:102,722,980, G>A on the plus strand (C>T on the coding strand, the complement: MANBA is on the minus strand). VCF-style: chr4-102722980-G-A. GRCh37 (hg19) VCF-style: chr4-103644137-G-A.
Other names: short protein forms A147V.
Identifiers: ClinVar variation 2048134 (VCV002048134.2), dbSNP rs752893294, ClinGen allele CA3027223.